The following is an entry in ClinVar:

NM_032119.4(ADGRV1):c.9927T>G (p.Pro3309=)

Gene: ADGRV1 (adhesion G protein-coupled receptor V1; plus strand). Cytogenetic location: 5q14.3.
Variant type: single nucleotide variant.
Coding change: c.9927T>G on transcript NM_032119.4 (MANE Select); coding-DNA position 9927, T replaced by G.
Protein change: p.Pro3309=; no amino-acid change (proline 3309 retained).
Molecular consequence: synonymous variant. On other transcripts: non-coding transcript variant (1).
Genome position (GRCh38, 1-based): chr5:90,725,106, T>G. VCF-style: chr5-90725106-T-G. GRCh37 (hg19) VCF-style: chr5-90020923-T-G.
Other names: p.Pro3309=.
Identifiers: ClinVar variation 46409 (VCV000046409.39), dbSNP rs16869042, ClinGen allele CA138277.

ClinVar aggregate classification (germline): Benign. Review status: criteria provided, multiple submitters, no conflicts (2 of 4 stars). 11 submissions from 11 submitters: Benign (10). 1 of the submissions does not count toward it. Last evaluated 2026-06-12.

Conditions:
Usher syndrome type 2C. Also called: Usher syndrome, type 2B; USHER SYNDROME, TYPE IIC. Identifiers: Orphanet 231178, Orphanet 886, MedGen C2931213, MONDO:0011558, OMIM 605472.
Febrile seizures, familial, 4 (FEB4). Also called: CONVULSIONS, FAMILIAL FEBRILE, 4. Identifiers: MedGen C1858493, MONDO:0011443, OMIM 604352.

Allele frequency attached by ClinVar (database versions not stated): gnomAD 0.30112; 1000 Genomes Project 30x 0.32199; TOPMed 0.33254; ESP Exome Variant Server 0.29627.
gnomAD v4.1: 517,594 of 1,533,190 alleles (34%); highest among the groups gnomAD compares: Admixed American, 53%; 90,276 homozygotes.

Submissions (11):

Women's Health and Genetics/Laboratory Corporation of America, LabCorp
Classification: Benign. Last evaluated: 2026-06-12. Review status: criteria provided, single submitter. Criteria: LabCorp Variant Classification Summary - May 2015. Collection method: clinical testing. Allele origin: germline.

Labcorp Genetics (formerly Invitae), Labcorp
Classification: Benign. Last evaluated: 2026-02-04. Review status: criteria provided, single submitter. Criteria: Invitae Variant Classification Sherloc (09022015). Collection method: clinical testing. Allele origin: germline.

ARUP Laboratories, Molecular Genetics and Genomics, ARUP Laboratories
Classification: Benign. Last evaluated: 2023-11-29. Review status: criteria provided, single submitter. Criteria: ARUP Molecular Germline Variant Investigation Process 2024. Collection method: clinical testing. Allele origin: germline.

Fulgent Genetics
Classification: Benign for Febrile seizures, familial, 4; Usher syndrome type 2C. Last evaluated: 2021-08-11. Review status: criteria provided, single submitter. Criteria: ACMG Guidelines, 2015. Collection method: clinical testing. Allele origin: unknown.

Mayo Clinic Laboratories, Mayo Clinic
Classification: Benign. Last evaluated: 2020-10-02. Review status: criteria provided, single submitter. Criteria: ACMG Guidelines, 2015. Collection method: clinical testing. Allele origin: germline. Observed: 96 variant alleles.

Illumina Laboratory Services, Illumina
Classification: Benign for Usher syndrome type 2C. Last evaluated: 2017-04-27. Review status: criteria provided, single submitter. Criteria: ICSL Variant Classification Criteria 13 December 2019. Collection method: clinical testing. Allele origin: germline.
Comment: This variant was observed as part of a predisposition screen in an ostensibly healthy population. A literature search was performed for the gene, cDNA change, and amino acid change (where applicable). No publications were found based on this search. Allele frequency data from public databases was too high to be consistent with this variant causing disease. Therefore, this variant is classified as benign.

Eurofins Ntd Llc (ga)
Classification: Benign. Last evaluated: 2015-07-07. Review status: criteria provided, single submitter. Criteria: EGL Classification Definitions 2015. Collection method: clinical testing. Allele origin: germline. Observed: 7 variant alleles, 5 heterozygotes, 2 homozygotes.

GeneDx
Classification: Benign. Last evaluated: 2015-03-03. Review status: criteria provided, single submitter. Criteria: GeneDx Variant Classification Process June 2021. Collection method: clinical testing. Allele origin: germline. Affected: yes.

Laboratory for Molecular Medicine, Mass General Brigham Personalized Medicine
Classification: Benign. Last evaluated: 2010-03-23. Review status: criteria provided, single submitter. Criteria: LMM Criteria. Collection method: clinical testing. Allele origin: germline. Observed: 1,047 variant alleles.

PreventionGenetics, part of Exact Sciences
Classification: Benign. Review status: criteria provided, single submitter. Criteria: ACMG Guidelines, 2015. Collection method: clinical testing. Allele origin: germline.

Genetic Services Laboratory, University of Chicago
Classification: Likely benign. Review status: no assertion criteria provided. Collection method: clinical testing. Allele origin: germline. Inheritance: Autosomal dominant inheritance. Not counted in ClinVar's aggregate classification.
Comment: Likely benign based on allele frequency in 1000 Genomes Project or ESP global frequency and its presence in a patient with a rare or unrelated disease phenotype. NOT Sanger confirmed